The following is an entry in ClinVar:

ClinVar aggregate classification (germline): Benign (0 of 4 stars; one submission).

Conditions:
CASP9-related disorder. Also called: CASP9-related condition.

Allele frequency attached by ClinVar (database versions not stated): gnomAD exomes 0.21839; 1000 Genomes Project 0.23562; 1000 Genomes Project 30x 0.23798; ESP Exome Variant Server 0.25144; ExAC 0.25163; TOPMed 0.27588; gnomAD 0.27727.
gnomAD v4.1: 345,417 of 1,539,048 alleles (22%); highest among the groups gnomAD compares: African/African-American, 43%; 41,438 homozygotes.

Submission:

PreventionGenetics, part of Exact Sciences
Classification: Benign for CASP9-related condition. Last evaluated: 2019-11-08. Review status: no assertion criteria provided. Collection method: clinical testing. Allele origin: germline.
Comment: This variant is classified as benign based on ACMG/AMP sequence variant interpretation guidelines (Richards et al. 2015 PMID: 25741868, with internal and published modifications).

NM_001229.5(CASP9):c.93C>T (p.Ser31=)

Gene: CASP9 (caspase 9; minus strand). Cytogenetic location: 1p36.21.
Variant type: single nucleotide variant.
Coding change: c.93C>T on transcript NM_001229.5 (MANE Select); coding-DNA position 93, C replaced by T.
Protein change: p.Ser31=; no amino-acid change (serine 31 retained).
Molecular consequence: synonymous variant. On other transcripts: non-coding transcript variant (2), intron variant (1).
Genome position (GRCh38, 1-based): chr1:15,524,108, G>A on the plus strand (C>T on the coding strand, the complement: CASP9 is on the minus strand). VCF-style: chr1-15524108-G-A. GRCh37 (hg19) VCF-style: chr1-15850603-G-A.
Other names: c.93C>T, p.Ser31= (NM_001278054.2); c.-118+475C>T (NM_032996.3).
Identifiers: ClinVar variation 3059411 (VCV003059411.2), dbSNP rs4645983, ClinGen allele CA614746.